The following is an entry in ClinVar:

ClinVar aggregate classification (germline): Likely pathogenic (1 of 4 stars; one submission).

Conditions:
Familial intrahepatic cholestasis. Identifiers: Orphanet 284385, MedGen CN296401, MONDO:0017290.

Submission:

Genomenon, Inc
Classification: Likely pathogenic for Familial intrahepatic cholestasis. Last evaluated: 2026-04-14. Review status: criteria provided, single submitter. Criteria: Genomenon Sequence Variant Interpretation Standards - Updated. Collection method: curation. Allele origin: germline. Affected: yes.
Comment: ABCB4 p.Gly1264AlafsTer38 (c.3789del) is a frameshift variant that results in the production of an extended protein product. This variant has been observed in at least one proband with an ABCB4-related disorder (PMID:36550572). It has been observed in trans with a pathogenic or likely pathogenic variant (PMID:36550572). It is absent or not present at a significant frequency in gnomAD. In conclusion, we classify ABCB4 p.Gly1264AlafsTer38 (c.3789del) as a likely pathogenic variant.

Literature cited by the submitters: PubMed 36550572.

NM_000443.4(ABCB4):c.3789del (p.Gly1264fs)

Gene: ABCB4 (ATP binding cassette subfamily B member 4; minus strand). Cytogenetic location: 7q21.12.
Variant type: Deletion.
Coding change: c.3789del on transcript NM_000443.4 (MANE Select); coding-DNA position 3789, one base deleted (A; older notation c.3789delA).
Protein change: p.Gly1264fs; shifts the reading frame from glycine 1264.
Molecular consequence: frameshift variant.
Genome position (GRCh38, 1-based): chr7:87,402,147, T deleted on the plus strand (A on the coding strand, the reverse complement: ABCB4 is on the minus strand); the first of 3 consecutive T bases (chr7:87,402,147-87,402,149); deleting any one gives the same sequence. VCF-style (leftmost placement, unchanged base first): chr7-87402146-CT-C. GRCh37 (hg19) VCF-style: chr7-87031462-CT-C.
Other names: c.3810del, p.Gly1271fs (NM_018849.3); c.3648del, p.Gly1217fs (NM_018850.3); short protein forms G1217fs, G1264fs, G1271fs.
Identifiers: ClinVar variation 4846462 (VCV004846462.1).